The following is an entry in ClinVar:

ClinVar aggregate classification (germline): Uncertain significance (1 of 4 stars; one submission).

Conditions:
COG1 congenital disorder of glycosylation (CDG2G). Also called: CONGENITAL DISORDER OF GLYCOSYLATION, TYPE IIg; CDG IIg; CDGII/COG1 CEREBROCOSTOMANDIBULAR-LIKE SYNDROME. Identifiers: Orphanet 263508, MedGen C2931011, MONDO:0012637, OMIM 611209.

gnomAD v4.1: 2 of 1,613,928 alleles (0.00012%); highest among the groups gnomAD compares: Admixed American, 0.0033%; no homozygotes.

Submission:

Labcorp Genetics (formerly Invitae), Labcorp
Classification: Uncertain significance for COG1 congenital disorder of glycosylation. Last evaluated: 2022-08-12. Review status: criteria provided, single submitter. Criteria: Invitae Variant Classification Sherloc (09022015). Collection method: clinical testing. Allele origin: germline.
Comment: This variant is present in population databases (no rsID available, gnomAD 0.006%). This sequence change replaces serine, which is neutral and polar, with asparagine, which is neutral and polar, at codon 829 of the COG1 protein (p.Ser829Asn). In summary, the available evidence is currently insufficient to determine the role of this variant in disease. Therefore, it has been classified as a Variant of Uncertain Significance. Algorithms developed to predict the effect of missense changes on protein structure and function are either unavailable or do not agree on the potential impact of this missense change (SIFT: "Deleterious"; PolyPhen-2: "Benign"; Align-GVGD: "Class C0"). This variant has not been reported in the literature in individuals affected with COG1-related conditions.

NM_018714.3(COG1):c.2486G>A (p.Ser829Asn)

Gene: COG1 (component of oligomeric golgi complex 1; plus strand). Cytogenetic location: 17q25.1.
Variant type: single nucleotide variant.
Coding change: c.2486G>A on transcript NM_018714.3 (MANE Select); coding-DNA position 2486, G replaced by A.
Protein change: p.Ser829Asn; replaces serine 829 with asparagine.
Molecular consequence: missense variant.
Genome position (GRCh38, 1-based): chr17:73,205,656, G>A. VCF-style: chr17-73205656-G-A. GRCh37 (hg19) VCF-style: chr17-71201795-G-A.
Other names: short protein forms S829N.
Identifiers: ClinVar variation 2092286 (VCV002092286.4), dbSNP rs1439505487, ClinGen allele CA400896360.